The following is an entry in ClinVar:

ClinVar aggregate classification (germline): Likely benign. Review status: criteria provided, multiple submitters, no conflicts (2 of 4 stars). 2 submissions from 2 submitters: Likely benign (2). Last evaluated 2025-02-17.

Allele frequency attached by ClinVar (database versions not stated): gnomAD exomes 0.00002 and 0.00006; TOPMed 0.00003; ExAC 0.00005; gnomAD 0.00005 and 0.00006.
gnomAD v4.1: 44 of 1,614,108 alleles (0.0027%); highest among the groups gnomAD compares: Admixed American, 0.0083%; no homozygotes.

Submissions (2):

Labcorp Genetics (formerly Invitae), Labcorp
Classification: Likely benign. Last evaluated: 2025-02-17. Review status: criteria provided, single submitter. Criteria: Invitae Variant Classification Sherloc (09022015). Collection method: clinical testing. Allele origin: germline.

CeGaT Center for Human Genetics Tuebingen
Classification: Likely benign. Last evaluated: 2023-05-01. Review status: criteria provided, single submitter. Criteria: CeGaT Center For Human Genetics Tuebingen Variant Classification Criteria Version 2. Collection method: clinical testing. Allele origin: germline. Affected: yes. Observed: 1 variant allele.
Comment: CXCR2: BP4, BP7

NM_001557.4(CXCR2):c.501C>T (p.Leu167=)

Gene: CXCR2 (C-X-C motif chemokine receptor 2; plus strand). Cytogenetic location: 2q35.
Variant type: single nucleotide variant.
Coding change: c.501C>T on transcript NM_001557.4 (MANE Select); coding-DNA position 501, C replaced by T.
Protein change: p.Leu167=; no amino-acid change (leucine 167 retained).
Molecular consequence: synonymous variant.
Genome position (GRCh38, 1-based): chr2:218,135,302, C>T. VCF-style: chr2-218135302-C-T. GRCh37 (hg19) VCF-style: chr2-219000025-C-T.
Other names: c.501C>T, p.Leu167= (NM_001168298.2).
Identifiers: ClinVar variation 1651153 (VCV001651153.32), dbSNP rs200386344, ClinGen allele CA2101714.